The following is an entry in ClinVar:

ClinVar aggregate classification (germline): Uncertain significance (1 of 4 stars; one submission).

gnomAD v4.1: 19 of 1,613,688 alleles (0.0012%); highest among the groups gnomAD compares: Admixed American, 0.0017%; no homozygotes.

Submission:

Labcorp Genetics (formerly Invitae), Labcorp
Classification: Uncertain significance. Last evaluated: 2024-02-17. Review status: criteria provided, single submitter. Criteria: Invitae Variant Classification Sherloc (09022015). Collection method: clinical testing. Allele origin: germline.
Comment: This sequence change replaces arginine, which is basic and polar, with tryptophan, which is neutral and slightly polar, at codon 56 of the RPL9 protein (p.Arg56Trp). This variant is not present in population databases (gnomAD no frequency). This variant has not been reported in the literature in individuals affected with RPL9-related conditions. An algorithm developed to predict the effect of missense changes on protein structure and function (PolyPhen-2) suggests that this variant is likely to be tolerated. In summary, the available evidence is currently insufficient to determine the role of this variant in disease. Therefore, it has been classified as a Variant of Uncertain Significance.

NM_000661.5(RPL9):c.166C>T (p.Arg56Trp)

Gene: RPL9 (ribosomal protein L9; minus strand). Cytogenetic location: 4p14.
Variant type: single nucleotide variant.
Coding change: c.166C>T on transcript NM_000661.5 (MANE Select); coding-DNA position 166, C replaced by T.
Protein change: p.Arg56Trp; replaces arginine 56 with tryptophan.
Molecular consequence: missense variant.
Genome position (GRCh38, 1-based): chr4:39,457,678, G>A on the plus strand (C>T on the coding strand, the complement: RPL9 is on the minus strand). VCF-style: chr4-39457678-G-A. GRCh37 (hg19) VCF-style: chr4-39459298-G-A.
Other names: c.166C>T, p.Arg56Trp (NM_001024921.4); short protein forms R56W.
Identifiers: ClinVar variation 3709939 (VCV003709939.2).
Genomic context (GRCh38, chr4:39,457,678, plus strand): 5'-GACTACAAATAGTCCGAACGGTAGCCAGTTCCTTTCTGTTACCCCACCATTTGTCAACCC[G>A]GAGCTGTAACAGAACAAAAAATGTATTCTTTCCAGAAATATGCAGGCTTAAAAGACAACA-3'
Protein context (NP_000652.2, residues 46-66): SLLGKKKKRL[Arg56Trp]VDKWWGNRKE